The following is an entry in ClinVar:

ClinVar aggregate classification (germline): Uncertain significance (1 of 4 stars; one submission).

Submission:

Labcorp Genetics (formerly Invitae), Labcorp
Classification: Uncertain significance. Last evaluated: 2025-08-12. Review status: criteria provided, single submitter. Criteria: Invitae Variant Classification Sherloc (09022015). Collection method: clinical testing. Allele origin: germline.
Comment: This sequence change replaces serine, which is neutral and polar, with cysteine, which is neutral and slightly polar, at codon 416 of the EIF2AK3 protein (p.Ser416Cys). This variant is not present in population databases (gnomAD no frequency). This variant has not been reported in the literature in individuals affected with EIF2AK3-related conditions. ClinVar contains an entry for this variant (Variation ID: 1940898). An algorithm developed to predict the effect of missense changes on protein structure and function (PolyPhen-2) suggests that this variant is likely to be disruptive. In summary, the available evidence is currently insufficient to determine the role of this variant in disease. Therefore, it has been classified as a Variant of Uncertain Significance.

NM_004836.7(EIF2AK3):c.1247C>G (p.Ser416Cys)

Gene: EIF2AK3 (eukaryotic translation initiation factor 2 alpha kinase 3; minus strand). Cytogenetic location: 2p11.2.
Variant type: single nucleotide variant.
Coding change: c.1247C>G on transcript NM_004836.7 (MANE Select); coding-DNA position 1247, C replaced by G.
Protein change: p.Ser416Cys; replaces serine 416 with cysteine.
Molecular consequence: missense variant.
Genome position (GRCh38, 1-based): chr2:88,588,820, G>C on the plus strand (C>G on the coding strand, the complement: EIF2AK3 is on the minus strand). VCF-style: chr2-88588820-G-C. GRCh37 (hg19) VCF-style: chr2-88888338-G-C.
Other names: c.794C>G, p.Ser265Cys (NM_001313915.2); short protein forms S416C, S265C.
Identifiers: ClinVar variation 1940898 (VCV001940898.4), dbSNP rs2104434922, ClinGen allele CA347595146.